The following is an entry in ClinVar:

ClinVar aggregate classification (germline): Uncertain significance (1 of 4 stars; one submission).

Conditions:
Pitt-Hopkins-like syndrome 2 (PTHSL2). Identifiers: Orphanet 221150, Orphanet 600663, MedGen C3280479, MONDO:0013690, OMIM 614325.

Allele frequency attached by ClinVar (database versions not stated): TOPMed below 0.00001.
gnomAD v4.1: 2 of 1,516,756 alleles (0.00013%); highest among the groups gnomAD compares: Non-Finnish European, 0.00018%; no homozygotes.

Submission:

Labcorp Genetics (formerly Invitae), Labcorp
Classification: Uncertain significance for Pitt-Hopkins-like syndrome 2. Last evaluated: 2023-12-01. Review status: criteria provided, single submitter. Criteria: Invitae Variant Classification Sherloc (09022015). Collection method: clinical testing. Allele origin: germline.
Comment: This sequence change replaces proline, which is neutral and non-polar, with histidine, which is basic and polar, at codon 637 of the NRXN1 protein (p.Pro637His). This variant is not present in population databases (gnomAD no frequency). This variant has not been reported in the literature in individuals affected with NRXN1-related conditions. An algorithm developed to predict the effect of missense changes on protein structure and function (PolyPhen-2) suggests that this variant is likely to be disruptive. In summary, the available evidence is currently insufficient to determine the role of this variant in disease. Therefore, it has been classified as a Variant of Uncertain Significance.

NM_001330078.2(NRXN1):c.1790C>A (p.Pro597His)

Gene: NRXN1 (neurexin 1; minus strand). Cytogenetic location: 2p16.3.
Variant type: single nucleotide variant.
Coding change: c.1790C>A on transcript NM_001330078.2 (MANE Select); coding-DNA position 1790, C replaced by A.
Protein change: p.Pro597His; replaces proline 597 with histidine.
Molecular consequence: missense variant.
Genome position (GRCh38, 1-based): chr2:50,538,606, G>T on the plus strand (C>A on the coding strand, the complement: NRXN1 is on the minus strand). VCF-style: chr2-50538606-G-T. GRCh37 (hg19) VCF-style: chr2-50765744-G-T.
Other names: c.1910C>A, p.Pro637His (NM_001135659.3); c.1766C>A, p.Pro589His (NM_001330077.2, NM_001330082.2, NM_001330095.2); c.1751C>A, p.Pro584His (NM_001330083.2, NM_001330084.2); c.1790C>A, p.Pro597His (NM_001330085.2, NM_001330086.2, NM_004801.6); c.1706C>A, p.Pro569His (NM_001330087.2, NM_001330096.2); c.1736C>A, p.Pro579His (NM_001330088.2); c.1787C>A, p.Pro596His (NM_001330093.2); c.1778C>A, p.Pro593His (NM_001330094.2); short protein forms P569H, P579H, P584H, P596H, P637H, P589H, P593H, P597H.
Identifiers: ClinVar variation 3023450 (VCV003023450.3), dbSNP rs923624148, ClinGen allele CA47319678.
Genomic context (GRCh38, chr2:50,538,606, plus strand): 5'-CCCCCCAGGTACAACTCATCATCCAGGTCCAGAATCTCACTCTCACCAGGAGCAGTGTAG[G>T]GAGTACGCAACGTGTTGACAGAAATGGTACCTATTTCAAAGAGAGGAGAATGCACAGGTC-3'
Protein context (NP_001317007.1, residues 587-607): GTISVNTLRT[Pro597His]YTAPGESEIL